The following is an entry in ClinVar:

ClinVar aggregate classification (germline): Benign/Likely benign. Review status: criteria provided, multiple submitters, no conflicts (2 of 4 stars). 11 submissions from 11 submitters: Benign (8); Likely benign (3). Last evaluated 2026-02-04.

Conditions:
Hereditary cancer-predisposing syndrome. Also called: Tumor predisposition; Neoplastic Syndromes, Hereditary; Hereditary neoplastic syndrome; Hereditary Cancer Syndrome. Identifiers: Orphanet 140162, MedGen C0027672, MeSH D009386, MONDO:0015356.
Familial cutaneous telangiectasia and oropharyngeal predisposition cancer syndrome. Identifiers: Orphanet 313846, MedGen C3281203, MONDO:0013806, OMIM 614564.
Seckel syndrome 1 (SCKL1). Also called: MICROCEPHALIC PRIMORDIAL DWARFISM I. Identifiers: Orphanet 808, MedGen C4551474, MONDO:0008869, OMIM 210600.

Allele frequency attached by ClinVar (database versions not stated): 1000 Genomes Project 30x 0.60181; gnomAD exomes 0.54839 and 0.57227; gnomAD 0.63625 and 0.62531; TOPMed 0.63280; ESP Exome Variant Server 0.66231; ExAC 0.55398; 1000 Genomes Project 0.59744.
gnomAD v4.1: 929,058 of 1,609,006 alleles (58%); highest among the groups gnomAD compares: African/African-American, 80%; 272,275 homozygotes.

Submissions (11):

Labcorp Genetics (formerly Invitae), Labcorp
Classification: Benign. Last evaluated: 2026-02-04. Review status: criteria provided, single submitter. Criteria: Invitae Variant Classification Sherloc (09022015). Collection method: clinical testing. Allele origin: germline.

GeneKor MSA
Classification: Benign for Hereditary cancer-predisposing syndrome. Last evaluated: 2025-07-10. Review status: criteria provided, single submitter. Criteria: ACMG Guidelines, 2015. Collection method: clinical testing. Allele origin: germline.

Blueprint Genetics
Classification: Likely benign. Last evaluated: 2024-11-26. Review status: criteria provided, single submitter. Criteria: ACMG Guidelines, 2015. Collection method: clinical testing. Allele origin: germline.

KCCC/NGS Laboratory, Kuwait Cancer Control Center
Classification: Benign for Familial cutaneous telangiectasia and oropharyngeal predisposition cancer syndrome. Last evaluated: 2023-07-07. Review status: criteria provided, single submitter. Criteria: ACMG Guidelines, 2015. Collection method: clinical testing. Allele origin: germline. Affected: yes.

Genome-Nilou Lab
Classification: Benign for Seckel syndrome 1. Last evaluated: 2021-07-14. Review status: criteria provided, single submitter. Criteria: ACMG Guidelines, 2015. Collection method: clinical testing. Allele origin: germline. Affected: no.

Illumina Laboratory Services, Illumina
Classification: Benign for Seckel syndrome 1. Last evaluated: 2018-01-13. Review status: criteria provided, single submitter. Criteria: ICSL Variant Classification Criteria 13 December 2019. Collection method: clinical testing. Allele origin: germline.
Comment: This variant was observed in the ICSL laboratory as part of a predisposition screen in an ostensibly healthy population. It had not been previously curated by ICSL or reported in the Human Gene Mutation Database (HGMD: prior to June 1st, 2018), and was therefore a candidate for classification through an automated scoring system. Utilizing variant allele frequency, disease prevalence and penetrance estimates, and inheritance mode, an automated score was calculated to assess if this variant is too frequent to cause the disease. Based on the score and internal cut-off values, a variant classified as benign is not then subjected to further curation. The score for this variant resulted in a classification of benign for this disease.

Laboratory for Molecular Medicine, Mass General Brigham Personalized Medicine
Classification: Benign. Last evaluated: 2016-03-28. Review status: criteria provided, single submitter. Criteria: LMM Criteria. Collection method: clinical testing. Allele origin: germline.
Comment: Variant identified in a genome or exome case(s) and assessed due to predicted null impact of the variant or pathogenic assertions in the literature or databases. Disclaimer: This variant has not undergone full assessment. The following are preliminary notes: Frequency

GeneDx
Classification: Benign. Last evaluated: 2015-03-03. Review status: criteria provided, single submitter. Criteria: GeneDx Variant Classification Process June 2021. Collection method: clinical testing. Allele origin: germline. Affected: yes.

Eurofins Ntd Llc (ga)
Classification: Benign. Last evaluated: 2013-07-03. Review status: criteria provided, single submitter. Criteria: EGL Classification Definitions 2015. Collection method: clinical testing. Allele origin: germline. Observed: 4 variant alleles, 1 heterozygote, 3 homozygotes.

Genetic Services Laboratory, University of Chicago
Classification: Likely benign. Last evaluated: 2013-04-25. Review status: criteria provided, single submitter. Criteria: ACMG Guidelines, 2007. Collection method: clinical testing. Allele origin: germline. Inheritance: Autosomal recessive inheritance.
Comment: Likely benign based on allele frequency in 1000 Genomes Project or ESP global frequency and its presence in a patient with a rare or unrelated disease phenotype. NOT Sanger confirmed

Breakthrough Genomics
Classification: Likely benign. Review status: criteria provided, single submitter. Criteria: ACMG Guidelines, 2015. Collection method: not provided. Allele origin: germline. Inheritance: Autosomal recessive inheritance. Affected: yes.

NM_001184.4(ATR):c.632T>C (p.Met211Thr)

Gene: ATR (ATR checkpoint kinase; minus strand). Cytogenetic location: 3q23.
Variant type: single nucleotide variant.
Coding change: c.632T>C on transcript NM_001184.4 (MANE Select); coding-DNA position 632, T replaced by C.
Protein change: p.Met211Thr; replaces methionine 211 with threonine.
Molecular consequence: missense variant.
Genome position (GRCh38, 1-based): chr3:142,562,770, A>G on the plus strand (T>C on the coding strand, the complement: ATR is on the minus strand). VCF-style: chr3-142562770-A-G. GRCh37 (hg19) VCF-style: chr3-142281612-A-G.
Other names: c.632T>C, p.Met211Thr (NM_001354579.2); short protein forms M211T.
Identifiers: ClinVar variation 93668 (VCV000093668.31), dbSNP rs2227928, ClinGen allele CA147188.